The following is an entry in ClinVar:

ClinVar aggregate classification (germline): Uncertain significance (1 of 4 stars; one submission).

Conditions:
Duchenne muscular dystrophy (DMD). Also called: MUSCULAR DYSTROPHY, PSEUDOHYPERTROPHIC PROGRESSIVE, DUCHENNE TYPE; Duchenne Muscular Dystrophy (DMD). Identifiers: Orphanet 98896, MedGen C0013264, MONDO:0010679, OMIM 310200.

gnomAD v4.1: 4 of 1,208,250 alleles (0.00033%); highest among the groups gnomAD compares: Non-Finnish European, 0.00045%; no homozygotes.

Submission:

Labcorp Genetics (formerly Invitae), Labcorp
Classification: Uncertain significance for Duchenne muscular dystrophy. Last evaluated: 2023-05-23. Review status: criteria provided, single submitter. Criteria: Invitae Variant Classification Sherloc (09022015). Collection method: clinical testing. Allele origin: germline.
Comment: This sequence change replaces alanine, which is neutral and non-polar, with valine, which is neutral and non-polar, at codon 437 of the DMD protein (p.Ala437Val). This variant is not present in population databases (gnomAD no frequency). This variant has not been reported in the literature in individuals affected with DMD-related conditions. ClinVar contains an entry for this variant (Variation ID: 1427855). Advanced modeling of protein sequence and biophysical properties (such as structural, functional, and spatial information, amino acid conservation, physicochemical variation, residue mobility, and thermodynamic stability) performed at Invitae indicates that this missense variant is not expected to disrupt DMD protein function. This variant disrupts the p.Ala437 amino acid residue in DMD. Other variant(s) that disrupt this residue have been determined to be pathogenic (PMID: 16770791, 19937601, 32559196; Invitae). This suggests that this residue is clinically significant, and that variants that disrupt this residue are likely to be disease-causing. In summary, the available evidence is currently insufficient to determine the role of this variant in disease. Therefore, it has been classified as a Variant of Uncertain Significance.

Literature cited by the submitters: PubMed 16770791; PubMed 19937601; PubMed 32559196.

NM_004006.3(DMD):c.1310C>T (p.Ala437Val)

Gene: DMD (dystrophin; minus strand). Cytogenetic location: Xp21.1.
Variant type: single nucleotide variant.
Coding change: c.1310C>T on transcript NM_004006.3 (MANE Select); coding-DNA position 1310, C replaced by T.
Protein change: p.Ala437Val; replaces alanine 437 with valine.
Molecular consequence: missense variant.
Genome position (GRCh38, 1-based): chrX:32,644,153, G>A on the plus strand (C>T on the coding strand, the complement: DMD is on the minus strand). VCF-style: chrX-32644153-G-A. GRCh37 (hg19) VCF-style: chrX-32662270-G-A.
Other names: c.1286C>T, p.Ala429Val (NM_000109.4); c.1298C>T, p.Ala433Val (NM_004009.3); c.941C>T, p.Ala314Val (NM_004010.3); short protein forms A437V, A433V, A314V, A429V.
Identifiers: ClinVar variation 1427855 (VCV001427855.5), dbSNP rs1556875180, ClinGen allele CA412660866.
Genomic context (GRCh38, chrX:32,644,153, plus strand): 5'-CTTGTTAGTCTTCTTAATTAAAAACAAATAAGGACTTACTTGCTTTGTTTTTCCATGCTA[G>A]CTACCCTGAGGCATTCCCATCTTGAATTTAGGAGATTCATCTGCTCTTGTACTTCAGTTT-3'
Protein context (NP_003997.2, residues 427-447): LNSRWECLRV[Ala437Val]SMEKQSNLHR